The following is an entry in ClinVar:

NM_001123385.2(BCOR):c.554G>A (p.Ser185Asn)

Genes: BCOR (BCL6 corepressor; minus strand), LOC126863239 (MED14-independent group 3 enhancer GRCh37_chrX:39932994-39934193; plus strand). Cytogenetic location: Xp11.4.
Variant type: single nucleotide variant.
Coding change: c.554G>A on transcript NM_001123385.2 (MANE Select); coding-DNA position 554, G replaced by A.
Protein change: p.Ser185Asn; replaces serine 185 with asparagine.
Molecular consequence: missense variant.
Genome position (GRCh38, 1-based): chrX:40,074,792, C>T on the plus strand (G>A on the coding strand, the complement: BCOR is on the minus strand). VCF-style: chrX-40074792-C-T. GRCh37 (hg19) VCF-style: chrX-39934045-C-T.
Other names: c.554G>A, p.Ser185Asn (NM_001123383.2, NM_001123384.2, NM_017745.6); short protein forms S185N.
Identifiers: ClinVar variation 4071628 (VCV004071628.2).

ClinVar aggregate classification (germline): Uncertain significance (1 of 4 stars; one submission).

gnomAD v4.1: 1 of 1,212,081 alleles (0.000083%); highest among the groups gnomAD compares: Admixed American, 0.0022%; no homozygotes.

Submission:

GeneDx
Classification: Uncertain significance. Last evaluated: 2026-03-11. Review status: criteria provided, single submitter. Criteria: GeneDx Variant Classification Process June 2021. Collection method: clinical testing. Allele origin: germline.
Comment: Not observed at significant frequency in large population cohorts (gnomAD); In silico analysis suggests that this missense variant does not alter protein structure/function; Has not been previously published as pathogenic or benign to our knowledge